The following is an entry in ClinVar:

NM_003482.4(KMT2D):c.15194G>T (p.Trp5065Leu)

Gene: KMT2D (lysine methyltransferase 2D; minus strand). Cytogenetic location: 12q13.12.
Variant type: single nucleotide variant.
Coding change: c.15194G>T on transcript NM_003482.4 (MANE Select); coding-DNA position 15194, G replaced by T.
Protein change: p.Trp5065Leu; replaces tryptophan 5065 with leucine.
Molecular consequence: missense variant.
Genome position (GRCh38, 1-based): chr12:49,026,772, C>A on the plus strand (G>T on the coding strand, the complement: KMT2D is on the minus strand). VCF-style: chr12-49026772-C-A. GRCh37 (hg19) VCF-style: chr12-49420555-C-A.
Other names: short protein forms W5065L.
Identifiers: ClinVar variation 4819155 (VCV004819155.1).

ClinVar aggregate classification (germline): Likely pathogenic (1 of 4 stars; one submission).

Conditions:
Kabuki syndrome 1 (KABUK1). Also called: KMT2D-Related Kabuki Syndrome. Identifiers: Orphanet 2322, MedGen CN030661, MONDO:0007843, OMIM 147920.

Submission:

Institute of Human Genetics, University of Leipzig Medical Center
Classification: Likely pathogenic for Kabuki syndrome 1. Last evaluated: 2026-02-12. Review status: criteria provided, single submitter. Criteria: ACMG Guidelines, 2015. Collection method: clinical testing. Allele origin: unknown. Inheritance: Autosomal dominant inheritance. Affected: yes.
Comment: Criteria applied: PM1,PM2,PM5,PP2,PP3